The following is an entry in ClinVar:

NM_018942.3(HMX1):c.922C>T (p.Pro308Ser)

Gene: HMX1 (H6 family homeobox 1; minus strand). Cytogenetic location: 4p16.1.
Variant type: single nucleotide variant.
Coding change: c.922C>T on transcript NM_018942.3 (MANE Select); coding-DNA position 922, C replaced by T.
Protein change: p.Pro308Ser; replaces proline 308 with serine.
Molecular consequence: missense variant. On other transcripts: intron variant (1).
Genome position (GRCh38, 1-based): chr4:8,867,818, G>A on the plus strand (C>T on the coding strand, the complement: HMX1 is on the minus strand). VCF-style: chr4-8867818-G-A. GRCh37 (hg19) VCF-style: chr4-8869544-G-A.
Other names: c.394+3403C>T (NM_001306142.2); short protein forms P308S.
Identifiers: ClinVar variation 849352 (VCV000849352.8), dbSNP rs1040106231, ClinGen allele CA92349781.

ClinVar aggregate classification (germline): Conflicting classifications of pathogenicity. Review status: criteria provided, conflicting classifications (1 of 4 stars). 3 submissions from 3 submitters: Uncertain significance (2); Likely benign (1). Last evaluated 2025-04-08.

Conditions:
Inborn genetic diseases. Identifiers: MedGen C0950123, MeSH D030342.

Allele frequency attached by ClinVar (database versions not stated): gnomAD 0.00013 and 0.00014; TOPMed 0.00013; gnomAD exomes 0.00036.
gnomAD v4.1: 396 of 1,226,040 alleles (0.032%); highest among the groups gnomAD compares: Non-Finnish European, 0.039%; no homozygotes.

Submissions (3):

Ambry Genetics
Classification: Uncertain significance for Inborn genetic diseases. Last evaluated: 2025-04-08. Review status: criteria provided, single submitter. Criteria: Ambry Variant Classification Scheme 2023. Collection method: clinical testing. Allele origin: germline.

Blueprint Genetics
Classification: Likely benign. Last evaluated: 2024-09-03. Review status: criteria provided, single submitter. Criteria: ACMG Guidelines, 2015. Collection method: clinical testing. Allele origin: germline.

Labcorp Genetics (formerly Invitae), Labcorp
Classification: Uncertain significance. Last evaluated: 2022-08-22. Review status: criteria provided, single submitter. Criteria: Invitae Variant Classification Sherloc (09022015). Collection method: clinical testing. Allele origin: germline.
Comment: This sequence change replaces proline, which is neutral and non-polar, with serine, which is neutral and polar, at codon 308 of the HMX1 protein (p.Pro308Ser). This variant is present in population databases (no rsID available, gnomAD 0.02%). This variant has not been reported in the literature in individuals affected with HMX1-related conditions. ClinVar contains an entry for this variant (Variation ID: 849352). Algorithms developed to predict the effect of missense changes on protein structure and function (SIFT, PolyPhen-2, Align-GVGD) all suggest that this variant is likely to be tolerated. In summary, the available evidence is currently insufficient to determine the role of this variant in disease. Therefore, it has been classified as a Variant of Uncertain Significance.